The following is an entry in ClinVar:

NM_006231.4(POLE):c.3214G>A (p.Ala1072Thr)

Gene: POLE (DNA polymerase epsilon, catalytic subunit; minus strand). Cytogenetic location: 12q24.33.
Variant type: single nucleotide variant.
Coding change: c.3214G>A on transcript NM_006231.4 (MANE Select); coding-DNA position 3214, G replaced by A.
Protein change: p.Ala1072Thr; replaces alanine 1072 with threonine.
Molecular consequence: missense variant.
Genome position (GRCh38, 1-based): chr12:132,659,356, C>T on the plus strand (G>A on the coding strand, the complement: POLE is on the minus strand). VCF-style: chr12-132659356-C-T. GRCh37 (hg19) VCF-style: chr12-133235942-C-T.
Other names: c.3214G>A (NM_006231.2); short protein forms A1072T.
Identifiers: ClinVar variation 473577 (VCV000473577.11), dbSNP rs1555225652, ClinGen allele CA387390494.

ClinVar aggregate classification (germline): Uncertain significance. Review status: criteria provided, multiple submitters, no conflicts (2 of 4 stars). 2 submissions from 2 submitters: Uncertain significance (2). Last evaluated 2025-08-15.

Conditions:
Hereditary cancer-predisposing syndrome. Also called: Neoplastic Syndromes, Hereditary; Tumor predisposition; Hereditary Cancer Syndrome; Hereditary neoplastic syndrome. Identifiers: Orphanet 140162, MedGen C0027672, MeSH D009386, MONDO:0015356.

Allele frequency attached by ClinVar (database versions not stated): gnomAD exomes below 0.00001.
gnomAD v4.1: 1 of 1,614,204 alleles (0.000062%); highest among the groups gnomAD compares: South Asian, 0.0011%; no homozygotes.

Submissions (2):

Ambry Genetics
Classification: Uncertain significance for Hereditary cancer-predisposing syndrome. Last evaluated: 2025-08-15. Review status: criteria provided, single submitter. Criteria: Ambry Variant Classification Scheme 2023. Collection method: clinical testing. Allele origin: germline.
Comment: The p.A1072T variant (also known as c.3214G>A), located in coding exon 26 of the POLE gene, results from a G to A substitution at nucleotide position 3214. The alanine at codon 1072 is replaced by threonine, an amino acid with similar properties. This amino acid position is highly conserved in available vertebrate species. In addition, the in silico prediction for this alteration is inconclusive. Based on the available evidence, the clinical significance of this variant remains unclear.

Labcorp Genetics (formerly Invitae), Labcorp
Classification: Uncertain significance. Last evaluated: 2024-09-04. Review status: criteria provided, single submitter. Criteria: Invitae Variant Classification Sherloc (09022015). Collection method: clinical testing. Allele origin: germline.
Comment: This sequence change replaces alanine, which is neutral and non-polar, with threonine, which is neutral and polar, at codon 1072 of the POLE protein (p.Ala1072Thr). This variant is not present in population databases (gnomAD no frequency). This variant has not been reported in the literature in individuals affected with POLE-related conditions. ClinVar contains an entry for this variant (Variation ID: 473577). Invitae Evidence Modeling of protein sequence and biophysical properties (such as structural, functional, and spatial information, amino acid conservation, physicochemical variation, residue mobility, and thermodynamic stability) indicates that this missense variant is expected to disrupt POLE protein function with a positive predictive value of 80%. In summary, the available evidence is currently insufficient to determine the role of this variant in disease. Therefore, it has been classified as a Variant of Uncertain Significance.